The following is an entry in ClinVar:

ClinVar aggregate classification (germline): Likely benign (1 of 4 stars; one submission).

gnomAD v4.1: 724 of 1,600,396 alleles (0.045%); highest among the groups gnomAD compares: East Asian, 0.96%; 6 homozygotes.

Submission:

CeGaT Center for Human Genetics Tuebingen
Classification: Likely benign. Last evaluated: 2026-05-01. Review status: criteria provided, single submitter. Criteria: CeGaT Center For Human Genetics Tuebingen Variant Classification Criteria Version 2. Collection method: clinical testing. Allele origin: germline. Affected: yes. Observed: 1 variant allele.
Comment: RIC1: BS1

NM_020829.4(RIC1):c.280C>A (p.His94Asn)

Gene: RIC1 (RIC1 partner of RAB6A GEF complex; plus strand). Cytogenetic location: 9p24.1.
Variant type: single nucleotide variant.
Coding change: c.280C>A on transcript NM_020829.4 (MANE Select); coding-DNA position 280, C replaced by A.
Protein change: p.His94Asn; replaces histidine 94 with asparagine.
Molecular consequence: missense variant.
Genome position (GRCh38, 1-based): chr9:5,689,986, C>A. VCF-style: chr9-5689986-C-A. GRCh37 (hg19) VCF-style: chr9-5689986-C-A.
Other names: c.280C>A, p.His94Asn (NM_001135920.4, NM_001206557.2); short protein forms H94N.
Identifiers: ClinVar variation 4872972 (VCV004872972.2).